The following is an entry in ClinVar:

NM_000492.4(CFTR):c.1457G>A (p.Gly486Glu)

Genes: CFTR (CF transmembrane conductance regulator; plus strand), CFTR-AS1 (CFTR antisense RNA 1; minus strand). Cytogenetic location: 7q31.2.
Variant type: single nucleotide variant.
Coding change: c.1457G>A on transcript NM_000492.4 (MANE Select); coding-DNA position 1457, G replaced by A.
Protein change: p.Gly486Glu; replaces glycine 486 with glutamic acid.
Molecular consequence: missense variant.
Genome position (GRCh38, 1-based): chr7:117,559,528, G>A. VCF-style: chr7-117559528-G-A. GRCh37 (hg19) VCF-style: chr7-117199582-G-A.
Other names: short protein forms G486E.
Identifiers: ClinVar variation 4073478 (VCV004073478.2).

ClinVar aggregate classification (germline): Uncertain significance. Review status: criteria provided, single submitter (1 of 4 stars). 2 submissions from 2 submitters: Uncertain significance (1). 1 of the submissions does not count toward it. Last evaluated 2026-01-20.

Conditions:
Cystic fibrosis (CF). Also called: MUCOVISCIDOSIS. Identifiers: Orphanet 586, MedGen C0010674, MONDO:0009061, OMIM 219700. Disease mechanism: loss of function.

Submissions (2):

Women's Health and Genetics/Laboratory Corporation of America, LabCorp
Classification: Uncertain significance. Last evaluated: 2026-01-20. Review status: criteria provided, single submitter. Criteria: LabCorp Variant Classification Summary - May 2015. Collection method: clinical testing. Allele origin: germline.
Comment: Variant summary: CFTR c.1457G>A (p.Gly486Glu) results in a non-conservative amino acid change in the encoded protein sequence. Algorithms developed to predict the effect of missense changes on protein structure and function all suggest that this variant is likely to be disruptive. The variant was absent in 251326 control chromosomes. The available data on variant occurrences in the general population are insufficient to allow any conclusion about variant significance. c.1457G>A has been observed in individual(s) affected with Cystic Fibrosis (example: Torresani_2013, Allemann_2019). These data do not allow any conclusion about variant significance. To our knowledge, no experimental evidence demonstrating an impact on protein function has been reported. The following publications have been ascertained in the context of this evaluation (PMID: 23712087, 30863369). ClinVar contains an entry for this variant (Variation ID: 4073478). Based on the evidence outlined above, the variant was classified as uncertain significance.

Dr Mariam's Lab, University of the Punjab
Classification: Likely pathogenic for Cystic fibrosis. Review status: no assertion criteria provided. Collection method: research. Allele origin: germline. Affected: yes. Not counted in ClinVar's aggregate classification.

Literature cited by the submitters: PubMed 23712087 (cited by Women's Health and Genetics/Laboratory Corporation of America, LabCorp); PubMed 30863369 (cited by Women's Health and Genetics/Laboratory Corporation of America, LabCorp).